The following is an entry in ClinVar:

ClinVar aggregate classification (germline): Likely pathogenic (1 of 4 stars; one submission).

Conditions:
Infantile liver failure syndrome 2 (ILFS2). Identifiers: MedGen C3809651, MONDO:0014659, OMIM 616483.
Short stature-optic atrophy-Pelger-Huët anomaly syndrome. Also called: Short stature-optic atrophy-Pelger-HuC+t anomaly syndrome; Short stature, optic nerve atrophy, and Pelger-Huet anomaly. Identifiers: Orphanet 391677, MedGen C3541319, MONDO:0013889, OMIM 614800.

Submission:

Juno Genomics, Hangzhou Juno Genomics, Inc
Classification: Likely pathogenic for Infantile liver failure syndrome 2; Short stature-optic atrophy-Pelger-Huët anomaly syndrome. Review status: criteria provided, single submitter. Criteria: ACMG Guidelines, 2015. Collection method: clinical testing. Allele origin: germline.
Comment: Null variant in a gene where loss of function (LOF) is a known mechanism of disease.;Absent from controls (or at extremely low frequency if recessive) in Genome Aggregation Database.

NM_015909.4(NBAS):c.712G>T (p.Gly238Ter)

Gene: NBAS (NBAS subunit of NRZ tethering complex; minus strand). Cytogenetic location: 2p24.3.
Variant type: single nucleotide variant.
Coding change: c.712G>T on transcript NM_015909.4 (MANE Select); coding-DNA position 712, G replaced by T.
Protein change: p.Gly238Ter; replaces glycine 238 with a stop codon.
Molecular consequence: nonsense. On other transcripts: non-coding transcript variant (1).
Genome position (GRCh38, 1-based): chr2:15,534,577, C>A on the plus strand (G>T on the coding strand, the complement: NBAS is on the minus strand). VCF-style: chr2-15534577-C-A. GRCh37 (hg19) VCF-style: chr2-15674701-C-A.
Other names: short protein forms G238*.
Identifiers: ClinVar variation 5006103 (VCV005006103.2).